The following is an entry in ClinVar:

ClinVar aggregate classification (germline): Uncertain significance. Review status: criteria provided, multiple submitters, no conflicts (2 of 4 stars). 3 submissions from 3 submitters: Uncertain significance (3). Last evaluated 2025-08-01.

Conditions:
Familial adenomatous polyposis 1 (FAP1). Also called: FAMILIAL ADENOMATOUS POLYPOSIS 1, ATTENUATED; POLYPOSIS, ADENOMATOUS INTESTINAL. Identifiers: MedGen C2713442, MONDO:0021056, OMIM 175100. Disease mechanism: loss of function.
Hereditary cancer-predisposing syndrome. Also called: Neoplastic Syndromes, Hereditary; Hereditary neoplastic syndrome; Hereditary Cancer Syndrome; Tumor predisposition. Identifiers: Orphanet 140162, MedGen C0027672, MeSH D009386, MONDO:0015356.

Submissions (3):

Ambry Genetics
Classification: Uncertain significance for Hereditary cancer-predisposing syndrome. Last evaluated: 2025-08-01. Review status: criteria provided, single submitter. Criteria: Ambry Variant Classification Scheme 2023. Collection method: clinical testing. Allele origin: germline.
Comment: The p.Q161E variant (also known as c.481C>G), located in coding exon 4 of the APC gene, results from a C to G substitution at nucleotide position 481. The glutamine at codon 161 is replaced by glutamic acid, an amino acid with highly similar properties. This amino acid position is highly conserved in available vertebrate species. Based on the available evidence, the clinical significance of this variant remains unclear.

Labcorp Genetics (formerly Invitae), Labcorp
Classification: Uncertain significance for Familial adenomatous polyposis 1. Last evaluated: 2024-12-22. Review status: criteria provided, single submitter. Criteria: Invitae Variant Classification Sherloc (09022015). Collection method: clinical testing. Allele origin: germline.
Comment: This sequence change replaces glutamine, which is neutral and polar, with glutamic acid, which is acidic and polar, at codon 161 of the APC protein (p.Gln161Glu). This variant is not present in population databases (gnomAD no frequency). This variant has not been reported in the literature in individuals affected with APC-related conditions. ClinVar contains an entry for this variant (Variation ID: 1202284). Invitae Evidence Modeling of protein sequence and biophysical properties (such as structural, functional, and spatial information, amino acid conservation, physicochemical variation, residue mobility, and thermodynamic stability) indicates that this missense variant is not expected to disrupt APC protein function with a negative predictive value of 95%. In summary, the available evidence is currently insufficient to determine the role of this variant in disease. Therefore, it has been classified as a Variant of Uncertain Significance.

GeneDx
Classification: Uncertain significance. Last evaluated: 2019-06-11. Review status: criteria provided, single submitter. Criteria: GeneDx Variant Classification Process June 2021. Collection method: clinical testing. Allele origin: germline. Affected: yes.
Comment: Not observed in large population cohorts (Lek et al., 2016); In silico analysis, which includes protein predictors and evolutionary conservation, supports that this variant does not alter protein structure/function; Has not been previously published as pathogenic or benign to our knowledge

NM_000038.6(APC):c.481C>G (p.Gln161Glu)

Gene: APC (APC regulator of Wnt signaling pathway; plus strand). Cytogenetic location: 5q22.2.
Variant type: single nucleotide variant.
Coding change: c.481C>G on transcript NM_000038.6 (MANE Select); coding-DNA position 481, C replaced by G.
Protein change: p.Gln161Glu; replaces glutamine 161 with glutamic acid.
Molecular consequence: missense variant. On other transcripts: 5 prime UTR variant (1).
Genome position (GRCh38, 1-based): chr5:112,775,687, C>G. VCF-style: chr5-112775687-C-G. GRCh37 (hg19) VCF-style: chr5-112111384-C-G.
Other names: c.481C>G, p.Gln161Glu (NM_001127510.3, NM_001354895.2, NM_001354896.2 and 2 more transcripts); c.511C>G, p.Gln171Glu (NM_001127511.3, NM_001354897.2, NM_001354902.2); c.406C>G, p.Gln136Glu (NM_001354898.2, NM_001354904.2); c.304C>G, p.Gln102Glu (NM_001354900.2, NM_001354901.2, NM_001354905.2); c.-555C>G (NM_001354906.2); short protein forms Q102E, Q136E, Q161E, Q171E.
Identifiers: ClinVar variation 1202284 (VCV001202284.7), dbSNP rs876658325, ClinGen allele CA16022375.